The following is an entry in ClinVar:

ClinVar aggregate classification (germline): Uncertain significance (1 of 4 stars; one submission).

Conditions:
Spastic paraplegia. Identifiers: MedGen C0037772, HP:0001258.

Allele frequency attached by ClinVar (database versions not stated): ExAC 0.00001; gnomAD exomes 0.00001 and 0.00006; TOPMed 0.00003; gnomAD 0.00004.
gnomAD v4.1: 89 of 1,614,166 alleles (0.0055%); highest among the groups gnomAD compares: Middle Eastern, 0.016%; no homozygotes.

Submission:

Labcorp Genetics (formerly Invitae), Labcorp
Classification: Uncertain significance for Spastic paraplegia. Last evaluated: 2021-09-01. Review status: criteria provided, single submitter. Criteria: Invitae Variant Classification Sherloc (09022015). Collection method: clinical testing. Allele origin: germline.
Comment: This sequence change replaces aspartic acid with asparagine at codon 1906 of the ZFYVE26 protein (p.Asp1906Asn). The aspartic acid residue is weakly conserved and there is a small physicochemical difference between aspartic acid and asparagine. This variant is present in population databases (rs753330080, ExAC 0.001%). This variant has not been reported in the literature in individuals affected with ZFYVE26-related conditions. Algorithms developed to predict the effect of missense changes on protein structure and function (SIFT, PolyPhen-2, Align-GVGD) all suggest that this variant is likely to be tolerated. In summary, the available evidence is currently insufficient to determine the role of this variant in disease. Therefore, it has been classified as a Variant of Uncertain Significance.

NM_015346.4(ZFYVE26):c.5716G>A (p.Asp1906Asn)

Gene: ZFYVE26 (zinc finger FYVE-type containing 26; minus strand). Cytogenetic location: 14q24.1.
Variant type: single nucleotide variant.
Coding change: c.5716G>A on transcript NM_015346.4 (MANE Select); coding-DNA position 5716, G replaced by A.
Protein change: p.Asp1906Asn; replaces aspartic acid 1906 with asparagine.
Molecular consequence: missense variant.
Genome position (GRCh38, 1-based): chr14:67,767,778, C>T on the plus strand (G>A on the coding strand, the complement: ZFYVE26 is on the minus strand). VCF-style: chr14-67767778-C-T. GRCh37 (hg19) VCF-style: chr14-68234495-C-T.
Other names: short protein forms D1906N.
Identifiers: ClinVar variation 1510306 (VCV001510306.5), dbSNP rs753330080, ClinGen allele CA7239407.